The following is an entry in ClinVar:

NM_014714.4(IFT140):c.3408_3409del (p.His1136fs)

Gene: IFT140 (intraflagellar transport 140; minus strand). Cytogenetic location: 16p13.3.
Variant type: Microsatellite.
Coding change: c.3408_3409del on transcript NM_014714.4 (MANE Select); coding-DNA positions 3408 to 3409, 2 bases deleted (CA; older notation c.3408_3409delCA).
Protein change: p.His1136fs; shifts the reading frame from histidine 1136.
Molecular consequence: frameshift variant.
Genome position (GRCh38, 1-based): chr16:1,523,562-1,523,563, TG deleted on the plus strand (CA on the coding strand, the reverse complement: IFT140 is on the minus strand); deleting any 2 consecutive bases within chr16:1,523,562-1,523,565 gives the same sequence; the c. name uses the placement nearest the transcript's 3' end. VCF-style (leftmost placement, unchanged base first): chr16-1523561-CTG-C. GRCh37 (hg19) VCF-style: chr16-1573562-CTG-C.
Other names: short protein forms H1136fs.
Identifiers: ClinVar variation 1424674 (VCV001424674.7), dbSNP rs765669703, ClinGen allele CA7813182.

ClinVar aggregate classification (germline): Pathogenic/Likely pathogenic. Review status: criteria provided, multiple submitters, no conflicts (2 of 4 stars). 2 submissions from 2 submitters: Pathogenic (1); Likely pathogenic (1). Last evaluated 2025-07-08.

Conditions:
Retinitis pigmentosa 80 (RP80). Identifiers: MedGen C4540439, MONDO:0054708, OMIM 617781.
Saldino-Mainzer syndrome (SRTD9). Also called: Renal dysplasia, retinal pigmentary dystrophy, cerebellar ataxia and skeletal dysplasia; CONORENAL SYNDROME; SHORT-RIB THORACIC DYSPLASIA 9 WITHOUT POLYDACTYLY; short-rib thoracic dysplasia 9 with or without polydactyly. Identifiers: Orphanet 140969, MedGen C1849437, MONDO:0009964, OMIM 266920.

Submissions (2):

Labcorp Genetics (formerly Invitae), Labcorp
Classification: Pathogenic for Saldino-Mainzer syndrome. Last evaluated: 2025-07-08. Review status: criteria provided, single submitter. Criteria: Invitae Variant Classification Sherloc (09022015). Collection method: clinical testing. Allele origin: germline.
Comment: This sequence change creates a premature translational stop signal (p.His1136Glnfs*49) in the IFT140 gene. It is expected to result in an absent or disrupted protein product. Loss-of-function variants in IFT140 are known to be pathogenic (PMID: 22503633, 23418020, 24009529, 26216056). This variant is present in population databases (rs765669703, gnomAD 0.003%). This variant has not been reported in the literature in individuals affected with IFT140-related conditions. For these reasons, this variant has been classified as Pathogenic.

Fulgent Genetics
Classification: Likely pathogenic for Saldino-Mainzer syndrome; Retinitis pigmentosa 80. Last evaluated: 2021-11-10. Review status: criteria provided, single submitter. Criteria: ACMG Guidelines, 2015. Collection method: clinical testing. Allele origin: unknown.

Literature cited by the submitters: PubMed 22503633 (cited by Labcorp Genetics (formerly Invitae), Labcorp); PubMed 23418020 (cited by Labcorp Genetics (formerly Invitae), Labcorp); PubMed 24009529 (cited by Labcorp Genetics (formerly Invitae), Labcorp); PubMed 26216056 (cited by Labcorp Genetics (formerly Invitae), Labcorp).